The following is an entry in ClinVar:

NM_000260.4(MYO7A):c.2209G>T (p.Glu737Ter)

Gene: MYO7A (myosin VIIA; plus strand). Cytogenetic location: 11q13.5.
Variant type: single nucleotide variant.
Coding change: c.2209G>T on transcript NM_000260.4 (MANE Select); coding-DNA position 2209, G replaced by T.
Protein change: p.Glu737Ter; replaces glutamic acid 737 with a stop codon.
Molecular consequence: nonsense.
Genome position (GRCh38, 1-based): chr11:77,177,570, G>T. VCF-style: chr11-77177570-G-T. GRCh37 (hg19) VCF-style: chr11-76888616-G-T.
Other names: c.2209G>T, p.Glu737Ter (NM_001127180.2); c.2176G>T, p.Glu726Ter (NM_001369365.1); short protein forms E726*, E737*.
Identifiers: ClinVar variation 3601459 (VCV003601459.2).
Genomic context (GRCh38, chr11:77,177,570, plus strand): 5'-AGACCTTGTGGGGCGCTGCTCAGGAGCTCTGCCTCCTAGGACCACCATGACATGCTGCTG[G>T]AAGTGGAGCGGGACAAAGCCATCACCGACAGAGTCATCCTCCTTCAGAAAGTCATCCGGG-3'

ClinVar aggregate classification (germline): Pathogenic/Likely pathogenic. Review status: criteria provided, multiple submitters, no conflicts (2 of 4 stars). 2 submissions from 2 submitters: Pathogenic (1); Likely pathogenic (1). Last evaluated 2025-01-09.

Conditions:
Autosomal recessive nonsyndromic hearing loss 2. Also called: NEUROSENSORY NONSYNDROMIC RECESSIVE DEAFNESS 2; DEAFNESS, AUTOSOMAL RECESSIVE 2. Identifiers: Orphanet 90636, MedGen C1838701, MONDO:0010807, OMIM 600060.
MYO7A-related disorder. Also called: MYO7A-related disorders.

Submissions (2):

Institute of Rare Diseases, West China Hospital, Sichuan University
Classification: Pathogenic for Autosomal recessive nonsyndromic hearing loss 2. Last evaluated: 2025-01-09. Review status: criteria provided, single submitter. Criteria: ClinGen HL ACMG Specifications v1. Collection method: research. Allele origin: germline. Affected: yes.
Comment: PVS1;PM3;PM2_Supporting

Blueprint Genetics
Classification: Likely pathogenic for MYO7A-related disorders. Last evaluated: 2019-10-30. Review status: criteria provided, single submitter. Criteria: ACMG Guidelines, 2015. Collection method: clinical testing. Allele origin: germline. Affected: yes. Observed: 1 variant allele.